The following is an entry in ClinVar:

NM_003896.4(ST3GAL5):c.1008+6T>G

Gene: ST3GAL5 (ST3 beta-galactoside alpha-2,3-sialyltransferase 5; minus strand). Cytogenetic location: 2p11.2.
Variant type: single nucleotide variant.
Coding change: c.1008+6T>G on transcript NM_003896.4 (MANE Select); 6 bases into the intron after coding-DNA position 1008, T replaced by G.
Molecular consequence: intron variant.
Genome position (GRCh38, 1-based): chr2:85,844,390, A>C on the plus strand (T>G on the coding strand, the complement: ST3GAL5 is on the minus strand). VCF-style: chr2-85844390-A-C. GRCh37 (hg19) VCF-style: chr2-86071513-A-C.
Other names: c.624+6T>G (NM_001354226.2, NM_001354233.2, NM_001354224.2 and 3 more transcripts); c.924+6T>G (NM_001354227.2, NM_001354229.2, NM_001354238.1); c.939+6T>G (NM_001042437.2); c.849+1987T>G (NM_001363847.1); c.285+6T>G (NM_001354247.1).
Identifiers: ClinVar variation 949654 (VCV000949654.10), dbSNP rs1682510472, ClinGen allele CA1139657140.
Genomic context (GRCh38, chr2:85,844,390, plus strand): 5'-AAGTGAAATTTGTACACATCGCCCCTCAAACAGGGAATGATTAACTTTGAGTAGCAACAA[A>C]AATACCTTATCTCGGCCCCAGAACCTTGACTGAGGCTCTGAGTACTGAAGGATGTCAAAG-3'

ClinVar aggregate classification (germline): Uncertain significance (1 of 4 stars; one submission).

Conditions:
GM3 synthase deficiency (SPDRS). Also called: SALT AND PEPPER DEVELOPMENTAL REGRESSION SYNDROME; SALT AND PEPPER MENTAL RETARDATION SYNDROME; AMISH INFANTILE EPILEPSY SYNDROME. Identifiers: Orphanet 171714, Orphanet 370933, MedGen C1836824, MONDO:0018274, OMIM 609056.

Submission:

Labcorp Genetics (formerly Invitae), Labcorp
Classification: Uncertain significance for GM3 synthase deficiency. Last evaluated: 2019-04-18. Review status: criteria provided, single submitter. Criteria: Invitae Variant Classification Sherloc (09022015). Collection method: clinical testing. Allele origin: germline.
Comment: This variant is not present in population databases (ExAC no frequency). This variant has not been reported in the literature in individuals with ST3GAL5-related conditions. Nucleotide substitutions within the consensus splice site are a relatively common cause of aberrant splicing (PMID: 17576681, 9536098). Algorithms developed to predict the effect of sequence changes on RNA splicing suggest that this variant is not likely to affect RNA splicing, but this prediction has not been confirmed by published transcriptional studies. In summary, the available evidence is currently insufficient to determine the role of this variant in disease. Therefore, it has been classified as a Variant of Uncertain Significance. This sequence change falls in intron 6 of the ST3GAL5 gene. It does not directly change the encoded amino acid sequence of the ST3GAL5 protein, but it affects a nucleotide within the consensus splice site of the intron.

Literature cited by the submitters: PubMed 17576681; PubMed 9536098.